The following is an entry in ClinVar:

NM_133433.4(NIPBL):c.2956G>A (p.Val986Ile)

Gene: NIPBL (NIPBL cohesin loading factor; plus strand). Cytogenetic location: 5p13.2.
Variant type: single nucleotide variant.
Coding change: c.2956G>A on transcript NM_133433.4 (MANE Select); coding-DNA position 2956, G replaced by A.
Protein change: p.Val986Ile; replaces valine 986 with isoleucine.
Molecular consequence: missense variant.
Genome position (GRCh38, 1-based): chr5:36,986,136, G>A. VCF-style: chr5-36986136-G-A. GRCh37 (hg19) VCF-style: chr5-36986238-G-A.
Other names: c.2956G>A, p.Val986Ile (NM_015384.5); short protein forms V986I.
Identifiers: ClinVar variation 1798108 (VCV001798108.4), dbSNP rs2477941205, ClinGen allele CA359507336.

ClinVar aggregate classification (germline): Uncertain significance. Review status: criteria provided, multiple submitters, no conflicts (2 of 4 stars). 2 submissions from 2 submitters: Uncertain significance (2). Last evaluated 2026-04-20.

Conditions:
Inborn genetic diseases. Identifiers: MedGen C0950123, MeSH D030342.

Submissions (2):

Dasa
Classification: Uncertain significance. Last evaluated: 2026-04-20. Review status: criteria provided, single submitter. Criteria: DASA Assertion Criteria. Collection method: clinical testing. Allele origin: germline.
Comment: NM_133433.4(NIPBL):c.2956G>A (p.Val986Ile) is a missense variant that results in the substitution of valine with isoleucine. This variant is rare in population databases. The currently available literature and clinical evidence are not sufficient to establish a definitive association between this variant and the reported condition. Therefore, this variant is classified as a variant of uncertain significance.

Ambry Genetics
Classification: Uncertain significance for Inborn genetic diseases. Last evaluated: 2017-12-07. Review status: criteria provided, single submitter. Criteria: Ambry Variant Classification Scheme 2023. Collection method: clinical testing. Allele origin: germline.
Comment: The p.V986I variant (also known as c.2956G>A), located in coding exon 9 of the NIPBL gene, results from a G to A substitution at nucleotide position 2956. The valine at codon 986 is replaced by isoleucine, an amino acid with highly similar properties. This amino acid position is not well conserved in available vertebrate species. In addition, this alteration is predicted to be tolerated by in silico analysis. Since supporting evidence is limited at this time, the clinical significance of this alteration remains unclear.